The following is an entry in ClinVar:

NM_000321.3(RB1):c.1231C>A (p.Pro411Thr)

Gene: RB1 (RB transcriptional corepressor 1; plus strand). Cytogenetic location: 13q14.2.
Variant type: single nucleotide variant.
Coding change: c.1231C>A on transcript NM_000321.3 (MANE Select); coding-DNA position 1231, C replaced by A.
Protein change: p.Pro411Thr; replaces proline 411 with threonine.
Molecular consequence: missense variant.
Genome position (GRCh38, 1-based): chr13:48,376,933, C>A. VCF-style: chr13-48376933-C-A. GRCh37 (hg19) VCF-style: chr13-48951069-C-A.
Other names: c.1231C>A (NM_000321.2); short protein forms P411T.
Identifiers: ClinVar variation 1397086 (VCV001397086.9), dbSNP rs2138136242, ClinGen allele CA388161965.
Genomic context (GRCh38, chr13:48,376,933, plus strand): 5'-TTACACAGTATCCTCGACATTGATTTCTGTTTTTACCTCCTAAAGAACTGCACAGTGAAT[C>A]CAAAAGAAAGTATACTGAAAAGAGTGAAGGATATAGGATACATCTTTAAAGAGAAATTTG-3'
Protein context (NP_000312.2, residues 401-421): ISYFNNCTVN[Pro411Thr]KESILKRVKD

ClinVar aggregate classification (germline): Uncertain significance. Review status: criteria provided, multiple submitters, no conflicts (2 of 4 stars). 2 submissions from 2 submitters: Uncertain significance (2). Last evaluated 2025-10-03.

Conditions:
Hereditary cancer-predisposing syndrome. Also called: Hereditary Cancer Syndrome; Hereditary neoplastic syndrome; Tumor predisposition; Neoplastic Syndromes, Hereditary. Identifiers: Orphanet 140162, MedGen C0027672, MeSH D009386, MONDO:0015356.
Retinoblastoma (RB1). Also called: RETINOBLASTOMA, SOMATIC. Identifiers: Orphanet 790, MedGen C0035335, MeSH D012175, MONDO:0008380, OMIM 180200, HP:0009919. Disease mechanism: loss of function. Inheritance: Both sporadic and heritable forms are tested..

Allele frequency attached by ClinVar (database versions not stated): gnomAD exomes below 0.00001.
gnomAD v4.1: 2 of 1,613,540 alleles (0.00012%); highest among the groups gnomAD compares: Non-Finnish European, 0.00017%; no homozygotes.

Submissions (2):

Ambry Genetics
Classification: Uncertain significance for Hereditary cancer-predisposing syndrome. Last evaluated: 2025-10-03. Review status: criteria provided, single submitter. Criteria: Ambry Variant Classification Scheme 2023. Collection method: clinical testing. Allele origin: germline.
Comment: The p.P411T variant (also known as c.1231C>A), located in coding exon 13 of the RB1 gene, results from a C to A substitution at nucleotide position 1231. The proline at codon 411 is replaced by threonine, an amino acid with highly similar properties. This amino acid position is conserved. In addition, this alteration is predicted to be deleterious by in silico analysis. Based on the available evidence, the clinical significance of this variant remains unclear.

Labcorp Genetics (formerly Invitae), Labcorp
Classification: Uncertain significance for Retinoblastoma. Last evaluated: 2022-10-13. Review status: criteria provided, single submitter. Criteria: Invitae Variant Classification Sherloc (09022015). Collection method: clinical testing. Allele origin: germline.
Comment: In summary, the available evidence is currently insufficient to determine the role of this variant in disease. Therefore, it has been classified as a Variant of Uncertain Significance. Algorithms developed to predict the effect of missense changes on protein structure and function (SIFT, PolyPhen-2, Align-GVGD) all suggest that this variant is likely to be disruptive. ClinVar contains an entry for this variant (Variation ID: 1397086). This variant has not been reported in the literature in individuals affected with RB1-related conditions. This variant is not present in population databases (gnomAD no frequency). This sequence change replaces proline, which is neutral and non-polar, with threonine, which is neutral and polar, at codon 411 of the RB1 protein (p.Pro411Thr).